The following is an entry in ClinVar:

NM_001042492.3(NF1):c.7531G>A (p.Val2511Ile)

Gene: NF1 (neurofibromin 1; plus strand). Cytogenetic location: 17q11.2.
Variant type: single nucleotide variant.
Coding change: c.7531G>A on transcript NM_001042492.3 (MANE Select); coding-DNA position 7531, G replaced by A.
Protein change: p.Val2511Ile; replaces valine 2511 with isoleucine.
Molecular consequence: missense variant.
Genome position (GRCh38, 1-based): chr17:31,352,330, G>A. VCF-style: chr17-31352330-G-A. GRCh37 (hg19) VCF-style: chr17-29679348-G-A.
Other names: c.7468G>A, p.Val2490Ile (NM_000267.4); short protein forms V2490I, V2511I.
Identifiers: ClinVar variation 1759041 (VCV001759041.5), dbSNP rs2230850, ClinGen allele CA399017598.

ClinVar aggregate classification (germline): Conflicting classifications of pathogenicity. Review status: criteria provided, conflicting classifications (1 of 4 stars). 2 submissions from 2 submitters: Uncertain significance (1); Likely benign (1). Last evaluated 2026-04-16.

Conditions:
Cardiovascular phenotype. Identifiers: MedGen CN230736.
Hereditary cancer-predisposing syndrome. Also called: Neoplastic Syndromes, Hereditary; Tumor predisposition; Hereditary Cancer Syndrome; Hereditary neoplastic syndrome. Identifiers: Orphanet 140162, MedGen C0027672, MeSH D009386, MONDO:0015356.
Neurofibromatosis, type 1 (NF1). Also called: Peripheral type neurofibromatosis; NEUROFIBROMATOSIS, TYPE I, SOMATIC; Neurofibromatosis, type I; VON RECKLINGHAUSEN DISEASE. Identifiers: Orphanet 636, MedGen C0027831, MONDO:0018975, OMIM 162200. Disease mechanism: loss of function.

gnomAD v4.1: 2 of 1,614,062 alleles (0.00012%); highest among the groups gnomAD compares: South Asian, 0.0022%; no homozygotes.

Submissions (2):

Ambry Genetics
Classification: Likely benign for Cardiovascular phenotype; Hereditary cancer-predisposing syndrome. Last evaluated: 2026-04-16. Review status: criteria provided, single submitter. Criteria: Ambry Variant Classification Scheme 2023. Collection method: clinical testing. Allele origin: germline.

Labcorp Genetics (formerly Invitae), Labcorp
Classification: Uncertain significance for Neurofibromatosis, type 1. Last evaluated: 2024-10-24. Review status: criteria provided, single submitter. Criteria: Invitae Variant Classification Sherloc (09022015). Collection method: clinical testing. Allele origin: germline.
Comment: This sequence change replaces valine, which is neutral and non-polar, with isoleucine, which is neutral and non-polar, at codon 2490 of the NF1 protein (p.Val2490Ile). This variant is not present in population databases (gnomAD no frequency). This variant has not been reported in the literature in individuals affected with NF1-related conditions. ClinVar contains an entry for this variant (Variation ID: 1759041). Invitae Evidence Modeling of protein sequence and biophysical properties (such as structural, functional, and spatial information, amino acid conservation, physicochemical variation, residue mobility, and thermodynamic stability) indicates that this missense variant is not expected to disrupt NF1 protein function with a negative predictive value of 95%. In summary, the available evidence is currently insufficient to determine the role of this variant in disease. Therefore, it has been classified as a Variant of Uncertain Significance.